The following is an entry in ClinVar:

ClinVar aggregate classification (germline): Uncertain significance (1 of 4 stars; one submission).

Allele frequency attached by ClinVar (database versions not stated): gnomAD 0.00001; TOPMed 0.00001; gnomAD exomes 0.00002; ExAC 0.00001.
gnomAD v4.1: 25 of 1,609,550 alleles (0.0016%); highest among the groups gnomAD compares: South Asian, 0.0089%; no homozygotes.

Submission:

Labcorp Genetics (formerly Invitae), Labcorp
Classification: Uncertain significance. Last evaluated: 2025-10-01. Review status: criteria provided, single submitter. Criteria: Invitae Variant Classification Sherloc (09022015). Collection method: clinical testing. Allele origin: germline.
Comment: This sequence change affects codon 316 of the XPO5 mRNA. It is a 'silent' change, meaning that it does not change the encoded amino acid sequence of the XPO5 protein. This variant is present in population databases (rs746346890, gnomAD 0.01%). This variant has not been reported in the literature in individuals affected with XPO5-related conditions. ClinVar contains an entry for this variant (Variation ID: 2168970). Algorithms developed to predict the effect of sequence changes on RNA splicing suggest that this variant may disrupt the consensus splice site. In summary, the available evidence is currently insufficient to determine the role of this variant in disease. Therefore, it has been classified as a Variant of Uncertain Significance.

NM_020750.3(XPO5):c.948C>T (p.Tyr316=)

Genes: POLR1C (RNA polymerase I and III subunit C; plus strand), XPO5 (exportin 5; minus strand). Cytogenetic location: 6p21.1.
Variant type: single nucleotide variant.
Coding change: c.948C>T on transcript NM_020750.3 (MANE Select); coding-DNA position 948, C replaced by T.
Protein change: p.Tyr316=; no amino-acid change (tyrosine 316 retained).
Molecular consequence: synonymous variant. On other transcripts: non-coding transcript variant (1), 3 prime UTR variant (1).
Genome position (GRCh38, 1-based): chr6:43,562,310, G>A on the plus strand (C>T on the coding strand, the complement: XPO5 is on the minus strand). VCF-style: chr6-43562310-G-A. GRCh37 (hg19) VCF-style: chr6-43530047-G-A.
Other names: c.*953G>A (NM_001363658.2).
Identifiers: ClinVar variation 2168970 (VCV002168970.3), dbSNP rs746346890, ClinGen allele CA3826570.
Genomic context (GRCh38, chr6:43,562,310, plus strand): 5'-CAATGCACACAGCTGATTGCCCAGCGCACACAACACCTGACAGAGCCTCTTCAGAAAGAC[G>A]TAGTGTTTTTCTACCAAACCTCCTCCATCAGCAGTCCTGTAAGATGAGAATTCCTTATAT-3'
Protein context (NP_065801.1, residues 306-326): ADGGGLVEKH[Tyr316=]VFLKRLCQVL